The following is an entry in ClinVar:

NM_001042492.3(NF1):c.1060_1061del (p.Lys354fs)

Gene: NF1 (neurofibromin 1; plus strand). Cytogenetic location: 17q11.2.
Variant type: Deletion.
Coding change: c.1060_1061del on transcript NM_001042492.3 (MANE Select); coding-DNA positions 1060 to 1061, 2 bases deleted (AA; older notation c.1060_1061delAA).
Protein change: p.Lys354fs; shifts the reading frame from lysine 354.
Molecular consequence: frameshift variant.
Genome position (GRCh38, 1-based): chr17:31,200,593-31,200,594, AA deleted. VCF-style (leftmost placement, unchanged base first): chr17-31200592-TAA-T. GRCh37 (hg19) VCF-style: chr17-29527610-TAA-T.
Other names: c.1060_1061delAA, p.Lys354Glufs (NM_000267.4); c.1060_1061del, p.Lys354fs (NM_001128147.3); short protein forms K354fs.
Identifiers: ClinVar variation 2742715 (VCV002742715.3), dbSNP rs2544794525, ClinGen allele CA2697559683.
Genomic context (GRCh38, chr17:31,200,592, plus strand): 5'-CATCAATTGGGAAGATAACTCTGTCATTTTCCTACTTGTTCAGTCCATGGTGGTTGATCT[TAA>T]GGTAACATGCTTATTCTTTCTCTACTACAAACTTTAAGAAAATTAAATGAATTTTCTAGC-3'

ClinVar aggregate classification (germline): Pathogenic (1 of 4 stars; one submission).

Conditions:
Neurofibromatosis, type 1 (NF1). Also called: Peripheral type neurofibromatosis; NEUROFIBROMATOSIS, TYPE I, SOMATIC; VON RECKLINGHAUSEN DISEASE; Neurofibromatosis, type I. Identifiers: Orphanet 636, MedGen C0027831, MONDO:0018975, OMIM 162200. Disease mechanism: loss of function.

Submission:

Labcorp Genetics (formerly Invitae), Labcorp
Classification: Pathogenic for Neurofibromatosis, type 1. Last evaluated: 2023-07-12. Review status: criteria provided, single submitter. Criteria: Invitae Variant Classification Sherloc (09022015). Collection method: clinical testing. Allele origin: germline.
Comment: This sequence change creates a premature translational stop signal (p.Lys354Glufs*5) in the NF1 gene. It is expected to result in an absent or disrupted protein product. Loss-of-function variants in NF1 are known to be pathogenic (PMID: 10712197, 23913538). This variant has not been reported in the literature in individuals affected with NF1-related conditions. Algorithms developed to predict the effect of sequence changes on RNA splicing suggest that this variant may disrupt the consensus splice site. For these reasons, this variant has been classified as Pathogenic. This variant is not present in population databases (gnomAD no frequency).

Literature cited by the submitters: PubMed 10712197; PubMed 23913538.